The following is an entry in ClinVar:

NM_000136.3(FANCC):c.*660C>T

Genes: FANCC (FA complementation group C; minus strand), AOPEP (aminopeptidase O (putative); plus strand). Cytogenetic location: 9q22.32.
Variant type: single nucleotide variant.
Coding change: c.*660C>T on transcript NM_000136.3 (MANE Select); 660 bases downstream of the stop codon, C replaced by T.
Molecular consequence: 3 prime UTR variant.
Genome position (GRCh38, 1-based): chr9:95,101,047, G>A on the plus strand (C>T on the coding strand, the complement: FANCC is on the minus strand). VCF-style: chr9-95101047-G-A. GRCh37 (hg19) VCF-style: chr9-97863329-G-A.
Other names: c.*660C>T (NM_001243743.2).
Identifiers: ClinVar variation 915215 (VCV000915215.4), dbSNP rs114612660, ClinGen allele CA196536066.
Genomic context (GRCh38, chr9:95,101,047, plus strand): 5'-CTAACTGAATTAATCCTGCCTTCTAATGTTTCTGGAACACATCCTCTACCTTCGCCTGCC[G>A]GCTCCTCTGATGTCCCAAGGGCCTTTTGGTAGCAGTTAGCATCATTTAGCAAATACAGAG-3'

ClinVar aggregate classification (germline): Likely benign (1 of 4 stars; one submission).

Conditions:
Fanconi anemia complementation group C (FANCC). Also called: FANCC-Related Fanconi Anemia; FANCONI PANCYTOPENIA, TYPE 3; FACC; Fanconi anemia, group C. Identifiers: Orphanet 84, MedGen C3468041, MONDO:0009213, OMIM 227645.

Allele frequency attached by ClinVar (database versions not stated): gnomAD exomes 0.00015; gnomAD 0.00043 and 0.00046; TOPMed 0.00051; 1000 Genomes Project 30x 0.00203; 1000 Genomes Project 0.00220.
gnomAD v4.1: 82 of 233,938 alleles (0.035%); highest among the groups gnomAD compares: African/African-American, 0.1%; no homozygotes.

Submission:

Illumina Laboratory Services, Illumina
Classification: Likely benign for Fanconi anemia complementation group C. Last evaluated: 2018-01-13. Review status: criteria provided, single submitter. Criteria: ICSL Variant Classification Criteria 13 December 2019. Collection method: clinical testing. Allele origin: germline.
Comment: This variant was observed in the ICSL laboratory as part of a predisposition screen in an ostensibly healthy population. It had not been previously curated by ICSL or reported in the Human Gene Mutation Database (HGMD: prior to June 1st, 2018), and was therefore a candidate for classification through an automated scoring system. Utilizing variant allele frequency, disease prevalence and penetrance estimates, and inheritance mode, an automated score was calculated to assess if this variant is too frequent to cause the disease. Based on the score and internal cut-off values, a variant classified as likely benign is not then subjected to further curation. The score for this variant resulted in a classification of likely benign for this disease.